The following is an entry in ClinVar:

NM_182894.3(VSX2):c.*9G>A

Gene: VSX2 (visual system homeobox 2; plus strand). Cytogenetic location: 14q24.3.
Variant type: single nucleotide variant.
Coding change: c.*9G>A on transcript NM_182894.3 (MANE Select); 9 bases downstream of the stop codon, G replaced by A.
Molecular consequence: 3 prime UTR variant.
Genome position (GRCh38, 1-based): chr14:74,260,928, G>A. VCF-style: chr14-74260928-G-A. GRCh37 (hg19) VCF-style: chr14-74727631-G-A.
Identifiers: ClinVar variation 3045496 (VCV003045496.2), dbSNP rs549537406, ClinGen allele CA7266529.

ClinVar aggregate classification (germline): Likely benign (0 of 4 stars; one submission).

Conditions:
VSX2-related disorder. Also called: VSX2-related condition.

Allele frequency attached by ClinVar (database versions not stated): gnomAD exomes 0.00001; gnomAD 0.00003; TOPMed 0.00003; ExAC 0.00006; 1000 Genomes Project 0.00020; 1000 Genomes Project 30x 0.00031.
gnomAD v4.1: 19 of 1,552,210 alleles (0.0012%); highest among the groups gnomAD compares: African/African-American, 0.011%; no homozygotes.

Submission:

PreventionGenetics, part of Exact Sciences
Classification: Likely benign for VSX2-related condition. Last evaluated: 2021-04-07. Review status: no assertion criteria provided. Collection method: clinical testing. Allele origin: germline.
Comment: This variant is classified as likely benign based on ACMG/AMP sequence variant interpretation guidelines (Richards et al. 2015 PMID: 25741868, with internal and published modifications).